The following is an entry in ClinVar:

NM_020778.5(ALPK3):c.2358T>A (p.His786Gln)

Gene: ALPK3 (alpha kinase 3; plus strand). Cytogenetic location: 15q25.3.
Variant type: single nucleotide variant.
Coding change: c.2358T>A on transcript NM_020778.5 (MANE Select); coding-DNA position 2358, T replaced by A.
Protein change: p.His786Gln; replaces histidine 786 with glutamine.
Molecular consequence: missense variant.
Genome position (GRCh38, 1-based): chr15:84,857,096, T>A. VCF-style: chr15-84857096-T-A. GRCh37 (hg19) VCF-style: chr15-85400327-T-A.
Other names: short protein forms H786Q.
Identifiers: ClinVar variation 2624309 (VCV002624309.5), dbSNP rs1371514314, ClinGen allele CA393356871.

ClinVar aggregate classification (germline): Uncertain significance. Review status: criteria provided, multiple submitters, no conflicts (2 of 4 stars). 2 submissions from 2 submitters: Uncertain significance (2). Last evaluated 2023-09-26.

Conditions:
Cardiovascular phenotype. Identifiers: MedGen CN230736.

gnomAD v4.1: 4 of 1,614,154 alleles (0.00025%); highest among the groups gnomAD compares: East Asian, 0.0067%; no homozygotes.

Submissions (2):

Labcorp Genetics (formerly Invitae), Labcorp
Classification: Uncertain significance. Last evaluated: 2023-09-26. Review status: criteria provided, single submitter. Criteria: Invitae Variant Classification Sherloc (09022015). Collection method: clinical testing. Allele origin: germline.
Comment: This sequence change replaces histidine, which is basic and polar, with glutamine, which is neutral and polar, at codon 988 of the ALPK3 protein (p.His988Gln). In summary, the available evidence is currently insufficient to determine the role of this variant in disease. Therefore, it has been classified as a Variant of Uncertain Significance. Algorithms developed to predict the effect of missense changes on protein structure and function output the following: SIFT: "Not Available"; PolyPhen-2: "Benign"; Align-GVGD: "Not Available". The glutamine amino acid residue is found in multiple mammalian species, which suggests that this missense change does not adversely affect protein function. This variant has not been reported in the literature in individuals affected with ALPK3-related conditions. This variant is present in population databases (no rsID available, gnomAD 0.01%).

Ambry Genetics
Classification: Uncertain significance for Cardiovascular phenotype. Last evaluated: 2023-09-14. Review status: criteria provided, single submitter. Criteria: Ambry Variant Classification Scheme 2023. Collection method: clinical testing. Allele origin: germline.